The following is an entry in ClinVar:

ClinVar aggregate classification (germline): Conflicting classifications of pathogenicity. Review status: criteria provided, conflicting classifications (1 of 4 stars). 5 submissions from 3 submitters: Likely pathogenic (1); Uncertain significance (4). Last evaluated 2025-05-23.

Conditions:
Retinitis pigmentosa 12 (RP12). Also called: RP WITH OR WITHOUT PPRPE; RP WITH OR WITHOUT PRESERVED PARAARTERIOLE RETINAL PIGMENT EPITHELIUM; RETINITIS PIGMENTOSA WITH OR WITHOUT PARAARTERIOLAR PRESERVATION OF RETINAL PIGMENT EPITHELIUM. Identifiers: Orphanet 791, MedGen C1838647, MONDO:0010818, OMIM 600105.
Pigmented paravenous retinochoroidal atrophy. Identifiers: Orphanet 251295, MedGen C1868310, MONDO:0008246, OMIM 172870.
Leber congenital amaurosis 8 (LCA8). Identifiers: Orphanet 65, MedGen C3151202, MONDO:0013453, OMIM 613835.

Allele frequency attached by ClinVar (database versions not stated): gnomAD 0.00001; TOPMed 0.00002.
gnomAD v4.1: 1 of 1,613,886 alleles (0.000062%); highest among the groups gnomAD compares: Admixed American, 0.0017%; no homozygotes.

Submissions (5):

Labcorp Genetics (formerly Invitae), Labcorp
Classification: Likely pathogenic for Leber congenital amaurosis 8; Retinitis pigmentosa 12. Last evaluated: 2025-05-23. Review status: criteria provided, single submitter. Criteria: Invitae Variant Classification Sherloc (09022015). Collection method: clinical testing. Allele origin: germline.
Comment: This sequence change replaces cysteine, which is neutral and slightly polar, with tryptophan, which is neutral and slightly polar, at codon 1312 of the CRB1 protein (p.Cys1312Trp). This variant is not present in population databases (gnomAD no frequency). This missense change has been observed in individual(s) with retinitis pigmentosa (internal data). ClinVar contains an entry for this variant (Variation ID: 946970). Invitae Evidence Modeling of protein sequence and biophysical properties (such as structural, functional, and spatial information, amino acid conservation, physicochemical variation, residue mobility, and thermodynamic stability) indicates that this missense variant is expected to disrupt CRB1 protein function with a positive predictive value of 95%. This variant disrupts the p.Cys1312 amino acid residue in CRB1. Other variant(s) that disrupt this residue have been observed in individuals with CRB1-related conditions (PMID: 32531858; internal data), which suggests that this may be a clinically significant amino acid residue. In summary, the currently available evidence indicates that the variant is pathogenic, but additional data are needed to prove that conclusively. Therefore, this variant has been classified as Likely Pathogenic.

Genome-Nilou Lab
Classification: Uncertain significance for Leber congenital amaurosis 8. Last evaluated: 2023-04-11. Review status: criteria provided, single submitter. Criteria: ACMG Guidelines, 2015. Collection method: clinical testing. Allele origin: germline. Affected: no.

Genome-Nilou Lab
Classification: Uncertain significance for Pigmented paravenous retinochoroidal atrophy. Last evaluated: 2023-04-11. Review status: criteria provided, single submitter. Criteria: ACMG Guidelines, 2015. Collection method: clinical testing. Allele origin: germline. Affected: no.

Genome-Nilou Lab
Classification: Uncertain significance for Retinitis pigmentosa 12. Last evaluated: 2023-04-11. Review status: criteria provided, single submitter. Criteria: ACMG Guidelines, 2015. Collection method: clinical testing. Allele origin: germline. Affected: no.

Fulgent Genetics
Classification: Uncertain significance for Pigmented paravenous retinochoroidal atrophy; Retinitis pigmentosa 12; Leber congenital amaurosis 8. Last evaluated: 2021-07-27. Review status: criteria provided, single submitter. Criteria: ACMG Guidelines, 2015. Collection method: clinical testing. Allele origin: unknown.

Literature cited by the submitters: PubMed 32531858 (cited by Labcorp Genetics (formerly Invitae), Labcorp).

NM_201253.3(CRB1):c.3936C>G (p.Cys1312Trp)

Gene: CRB1 (crumbs cell polarity complex component 1; plus strand). Cytogenetic location: 1q31.3.
Variant type: single nucleotide variant.
Coding change: c.3936C>G on transcript NM_201253.3 (MANE Select); coding-DNA position 3936, C replaced by G.
Protein change: p.Cys1312Trp; replaces cysteine 1312 with tryptophan.
Molecular consequence: missense variant. On other transcripts: non-coding transcript variant (2).
Genome position (GRCh38, 1-based): chr1:197,442,223, C>G. VCF-style: chr1-197442223-C-G. GRCh37 (hg19) VCF-style: chr1-197411353-C-G.
Other names: c.3600C>G, p.Cys1200Trp (NM_001193640.2); c.3864C>G, p.Cys1288Trp (NM_001257965.2); c.2328C>G, p.Cys776Trp (NM_001257966.2); short protein forms C1312W, C1288W, C1200W, C776W.
Identifiers: ClinVar variation 946970 (VCV000946970.11), dbSNP rs1665481687, ClinGen allele CA344052568.